The following is an entry in ClinVar:

ClinVar aggregate classification (germline): Uncertain significance. Review status: criteria provided, multiple submitters, no conflicts (2 of 4 stars). 2 submissions from 2 submitters: Uncertain significance (2). Last evaluated 2025-07-21.

Conditions:
Congenital myasthenic syndrome 8. Also called: Myasthenic syndrome, congenital, 8, with pre- and postsynaptic defects; MYASTHENIC SYNDROME, CONGENITAL, DUE TO AGRIN DEFICIENCY. Identifiers: Orphanet 590, MedGen C3808739, MONDO:0014052, OMIM 615120.

Submissions (2):

Mayo Clinic Laboratories, Mayo Clinic
Classification: Uncertain significance. Last evaluated: 2025-07-21. Review status: criteria provided, single submitter. Criteria: ACMG Guidelines, 2015. Collection method: clinical testing. Allele origin: germline. Observed: 2 variant alleles.
Comment: PM2_supporting

Labcorp Genetics (formerly Invitae), Labcorp
Classification: Uncertain significance for Congenital myasthenic syndrome 8. Last evaluated: 2025-03-31. Review status: criteria provided, single submitter. Criteria: Invitae Variant Classification Sherloc (09022015). Collection method: clinical testing. Allele origin: germline.
Comment: This sequence change replaces aspartic acid, which is acidic and polar, with glutamic acid, which is acidic and polar, at codon 264 of the AGRN protein (p.Asp264Glu). This variant is not present in population databases (gnomAD no frequency). This variant has not been reported in the literature in individuals affected with AGRN-related conditions. ClinVar contains an entry for this variant (Variation ID: 1063587). An algorithm developed to predict the effect of missense changes on protein structure and function (PolyPhen-2) suggests that this variant is likely to be disruptive. In summary, the available evidence is currently insufficient to determine the role of this variant in disease. Therefore, it has been classified as a Variant of Uncertain Significance.

NM_198576.4(AGRN):c.792C>A (p.Asp264Glu)

Gene: AGRN (agrin; plus strand). Cytogenetic location: 1p36.33.
Variant type: single nucleotide variant.
Coding change: c.792C>A on transcript NM_198576.4 (MANE Select); coding-DNA position 792, C replaced by A.
Protein change: p.Asp264Glu; replaces aspartic acid 264 with glutamic acid.
Molecular consequence: missense variant.
Genome position (GRCh38, 1-based): chr1:1,041,237, C>A. VCF-style: chr1-1041237-C-A. GRCh37 (hg19) VCF-style: chr1-976617-C-A.
Other names: p.Asp264Glu; c.792C>A, p.Asp264Glu (NM_001305275.2); c.477C>A, p.Asp159Glu (NM_001364727.2); short protein forms D159E, D264E.
Identifiers: ClinVar variation 1063587 (VCV001063587.8), dbSNP rs1017639651, ClinGen allele CA16751189.